The following is an entry in ClinVar:

NM_013254.4(TBK1):c.1372G>A (p.Val458Ile)

Gene: TBK1 (TANK binding kinase 1; plus strand). Cytogenetic location: 12q14.2.
Variant type: single nucleotide variant.
Coding change: c.1372G>A on transcript NM_013254.4 (MANE Select); coding-DNA position 1372, G replaced by A.
Protein change: p.Val458Ile; replaces valine 458 with isoleucine.
Molecular consequence: missense variant.
Genome position (GRCh38, 1-based): chr12:64,488,518, G>A. VCF-style: chr12-64488518-G-A. GRCh37 (hg19) VCF-style: chr12-64882298-G-A.
Other names: short protein forms V458I.
Identifiers: ClinVar variation 4833113 (VCV004833113.1).

ClinVar aggregate classification (germline): Uncertain significance (1 of 4 stars; one submission).

Conditions:
Inborn genetic diseases. Identifiers: MedGen C0950123, MeSH D030342.

gnomAD v4.1: 4 of 1,599,486 alleles (0.00025%); highest among the groups gnomAD compares: African/African-American, 0.0013%; no homozygotes.

Submission:

Ambry Genetics
Classification: Uncertain significance for Inborn genetic diseases. Last evaluated: 2025-12-15. Review status: criteria provided, single submitter. Criteria: Ambry Variant Classification Scheme 2023. Collection method: clinical testing. Allele origin: germline.
Comment: The c.1372G>A (p.V458I) alteration is located in exon 12 (coding exon 11) of the TBK1 gene. This alteration results from a G to A substitution at nucleotide position 1372, causing the valine (V) at amino acid position 458 to be replaced by an isoleucine (I). Based on data from gnomAD, the A allele has an overall frequency of <0.001% (1/238200) total alleles studied. The highest observed frequency was 0.001% (1/109180) of European (non-Finnish) alleles. Based on insufficient or conflicting evidence, the clinical significance of this alteration remains unclear.